The following is an entry in ClinVar:

ClinVar aggregate classification (germline): Likely benign. Review status: criteria provided, multiple submitters, no conflicts (2 of 4 stars). 2 submissions from 2 submitters: Likely benign (2). Last evaluated 2022-08-01.

gnomAD v4.1: 41 of 1,514,758 alleles (0.0027%); highest among the groups gnomAD compares: Non-Finnish European, 0.0033%; no homozygotes.

Submissions (2):

CeGaT Center for Human Genetics Tuebingen
Classification: Likely benign. Last evaluated: 2022-08-01. Review status: criteria provided, single submitter. Criteria: CeGaT Center For Human Genetics Tuebingen Variant Classification Criteria Version 2. Collection method: clinical testing. Allele origin: germline. Affected: yes. Observed: 1 variant allele.
Comment: ATP13A2: BP4, BP7

Blueprint Genetics
Classification: Likely benign. Last evaluated: 2020-07-02. Review status: criteria provided, single submitter. Criteria: ACMG Guidelines, 2015. Collection method: clinical testing. Allele origin: germline.

NM_022089.4(ATP13A2):c.*158T>G

Gene: ATP13A2 (ATPase cation transporting 13A2; minus strand). Cytogenetic location: 1p36.13.
Variant type: single nucleotide variant.
Coding change: c.*158T>G on transcript NM_022089.4 (MANE Select); 158 bases downstream of the stop codon, T replaced by G.
Molecular consequence: 3 prime UTR variant. On other transcripts: synonymous variant (1).
Genome position (GRCh38, 1-based): chr1:16,986,063, A>C on the plus strand (T>G on the coding strand, the complement: ATP13A2 is on the minus strand). VCF-style: chr1-16986063-A-C. GRCh37 (hg19) VCF-style: chr1-17312558-A-C.
Other names: c.*158T>G (NM_001141973.3); c.3399T>G, p.Val1133= (NM_001141974.3).
Identifiers: ClinVar variation 2638388 (VCV002638388.25), dbSNP rs185521359, ClinGen allele CA636413.